The following is an entry in ClinVar:

NM_001025603.2(RFX5):c.1384G>C (p.Ala462Pro)

Gene: RFX5 (regulatory factor X5; minus strand). Cytogenetic location: 1q21.3.
Variant type: single nucleotide variant.
Coding change: c.1384G>C on transcript NM_001025603.2 (MANE Select); coding-DNA position 1384, G replaced by C.
Protein change: p.Ala462Pro; replaces alanine 462 with proline.
Molecular consequence: missense variant.
Genome position (GRCh38, 1-based): chr1:151,342,653, C>G on the plus strand (G>C on the coding strand, the complement: RFX5 is on the minus strand). VCF-style: chr1-151342653-C-G. GRCh37 (hg19) VCF-style: chr1-151315129-C-G.
Other names: c.1384G>C, p.Ala462Pro (NM_000449.4, NM_001379412.1, NM_001379413.1 and 5 more transcripts); c.1264G>C, p.Ala422Pro (NM_001379419.1, NM_001379420.1); c.1384G>C (NM_000449.3); short protein forms A422P, A462P.
Identifiers: ClinVar variation 1051611 (VCV001051611.10), dbSNP rs1049115102, ClinGen allele CA29558171.

ClinVar aggregate classification (germline): Uncertain significance. Review status: criteria provided, multiple submitters, no conflicts (2 of 4 stars). 2 submissions from 2 submitters: Uncertain significance (2). Last evaluated 2025-08-12.

Conditions:
MHC class II deficiency. Also called: BLS, TYPE II; Bare lymphocyte syndrome 2. Identifiers: Orphanet 572, MedGen C5447452, MONDO:0008855.

Allele frequency attached by ClinVar (database versions not stated): gnomAD exomes below 0.00001; TOPMed 0.00002; gnomAD 0.00003.

Submissions (2):

Ambry Genetics
Classification: Uncertain significance. Last evaluated: 2025-08-12. Review status: criteria provided, single submitter. Criteria: Ambry Variant Classification Scheme 2023. Collection method: clinical testing. Allele origin: germline.

Labcorp Genetics (formerly Invitae), Labcorp
Classification: Uncertain significance for MHC class II deficiency. Last evaluated: 2020-07-26. Review status: criteria provided, single submitter. Criteria: Invitae Variant Classification Sherloc (09022015). Collection method: clinical testing. Allele origin: germline.
Comment: This variant has not been reported in the literature in individuals with RFX5-related conditions. This variant is not present in population databases (ExAC no frequency). This sequence change replaces alanine with proline at codon 462 of the RFX5 protein (p.Ala462Pro). The alanine residue is moderately conserved and there is a small physicochemical difference between alanine and proline. In summary, the available evidence is currently insufficient to determine the role of this variant in disease. Therefore, it has been classified as a Variant of Uncertain Significance. Algorithms developed to predict the effect of missense changes on protein structure and function are either unavailable or do not agree on the potential impact of this missense change (SIFT: "Tolerated"; PolyPhen-2: "Possibly Damaging"; Align-GVGD: "Class C0").